The following is an entry in ClinVar:

NM_007294.4(BRCA1):c.5153-25C>G

Gene: BRCA1 (BRCA1 DNA repair associated; minus strand). Cytogenetic location: 17q21.31.
Variant type: single nucleotide variant.
Coding change: c.5153-25C>G on transcript NM_007294.4 (MANE Select); 25 bases into the intron before coding-DNA position 5153, C replaced by G.
Molecular consequence: intron variant.
Genome position (GRCh38, 1-based): chr17:43,063,398, G>C on the plus strand (C>G on the coding strand, the complement: BRCA1 is on the minus strand). VCF-style: chr17-43063398-G-C. GRCh37 (hg19) VCF-style: chr17-41215415-G-C.
Other names: c.1700-25C>G (NM_001408458.1, NM_001408461.1, NM_001408464.1 and 7 more transcripts); c.4262-25C>G (NM_001407967.1); c.4772-25C>G (NM_001407959.1); c.4886-25C>G (NM_001407931.1, NM_001407932.1, NM_001407928.1 and 4 more transcripts); c.5009-25C>G (NM_001407747.1, NM_001407745.1, NM_001407737.1 and 21 more transcripts); c.4769-25C>G (NM_001407962.1, NM_001407960.1); c.1340-25C>G (NM_001408512.1); c.1463-25C>G (NM_001408510.1); and 72 more.
Identifiers: ClinVar variation 867722 (VCV000867722.3), dbSNP rs1458162596, ClinGen allele CA916080100.

Conditions:
Breast-ovarian cancer, familial, susceptibility to, 1 (BROVCA1). Also called: BRCA1 Hereditary Breast and Ovarian Cancer; OVARIAN CANCER, SUSCEPTIBILITY TO. Identifiers: Orphanet 145, MedGen C2676676, MONDO:0011450, OMIM 604370. Disease mechanism: loss of function.

Submission:

Brotman Baty Institute, University of Washington
No classification provided (evidence only). Condition: Breast-ovarian cancer, familial 1. Review status: no classification provided. Collection method: in vitro. Allele origin: not applicable. Functional consequence: functionally_normal.
ClinVar note: "not provided" was previously submitted as the classification for the variant. However, the classification appeared to be based only on an observation of functional data so it was converted to no classification on 2025-07-30.